The following is an entry in ClinVar:

NM_012199.5(AGO1):c.*57G>A

Gene: AGO1 (argonaute RISC component 1; plus strand). Cytogenetic location: 1p34.3.
Variant type: single nucleotide variant.
Coding change: c.*57G>A on transcript NM_012199.5 (MANE Select); 57 bases downstream of the stop codon, G replaced by A.
Molecular consequence: 3 prime UTR variant. On other transcripts: synonymous variant (1).
Genome position (GRCh38, 1-based): chr1:35,919,664, G>A. VCF-style: chr1-35919664-G-A. GRCh37 (hg19) VCF-style: chr1-36385265-G-A.
Other names: c.2631G>A, p.Leu877= (NM_001317122.2); c.*57G>A (NM_001317123.2); c.2631G>A (NM_001317122.1).
Identifiers: ClinVar variation 3770857 (VCV003770857.14).

ClinVar aggregate classification (germline): Likely benign. Review status: criteria provided, multiple submitters, no conflicts (2 of 4 stars). 2 submissions from 2 submitters: Likely benign (2). Last evaluated 2025-12-01.

Conditions:
AGO1-related disorder. Also called: AGO1-related condition.

gnomAD v4.1: 443 of 1,526,904 alleles (0.029%); highest among the groups gnomAD compares: Middle Eastern, 0.054%; no homozygotes.

Submissions (2):

CeGaT Center for Human Genetics Tuebingen
Classification: Likely benign. Last evaluated: 2025-12-01. Review status: criteria provided, single submitter. Criteria: CeGaT Center For Human Genetics Tuebingen Variant Classification Criteria Version 2. Collection method: clinical testing. Allele origin: germline. Affected: yes. Observed: 2 variant alleles.
Comment: AGO1: BP4, BP7

PreventionGenetics, part of Exact Sciences
Classification: Likely benign for AGO1-related condition. Last evaluated: 2025-03-08. Review status: criteria provided, single submitter. Criteria: ACMG Guidelines, 2015. Collection method: clinical testing. Allele origin: germline.
Comment: This variant is classified as likely benign based on ACMG/AMP sequence variant interpretation guidelines (Richards et al. 2015 PMID: 25741868, with internal and published modifications).